The following is an entry in ClinVar:

NM_005228.5(EGFR):c.907G>C (p.Asp303His)

Gene: EGFR (epidermal growth factor receptor; plus strand). Cytogenetic location: 7p11.2.
Variant type: single nucleotide variant.
Coding change: c.907G>C on transcript NM_005228.5 (MANE Select); coding-DNA position 907, G replaced by C.
Protein change: p.Asp303His; replaces aspartic acid 303 with histidine.
Molecular consequence: missense variant.
Genome position (GRCh38, 1-based): chr7:55,155,847, G>C. VCF-style: chr7-55155847-G-C. GRCh37 (hg19) VCF-style: chr7-55223540-G-C.
Other names: c.772G>C, p.Asp258His (NM_001346897.2, NM_001346899.2); c.907G>C, p.Asp303His (NM_001346898.2, NM_201282.2, NM_201283.2 and 1 more transcripts); c.748G>C, p.Asp250His (NM_001346900.2); c.106G>C, p.Asp36His (NM_001346941.2); short protein forms D250H, D258H, D303H, D36H.
Identifiers: ClinVar variation 1061278 (VCV001061278.9), dbSNP rs2128937365, ClinGen allele CA367577950.

ClinVar aggregate classification (germline): Uncertain significance (1 of 4 stars; one submission).

Conditions:
EGFR-related lung cancer (EGFR). Identifiers: MedGen CN130014.

Submission:

Labcorp Genetics (formerly Invitae), Labcorp
Classification: Uncertain significance for EGFR-related lung cancer. Last evaluated: 2020-09-15. Review status: criteria provided, single submitter. Criteria: Invitae Variant Classification Sherloc (09022015). Collection method: clinical testing. Allele origin: germline.
Comment: In summary, the available evidence is currently insufficient to determine the role of this variant in disease. Therefore, it has been classified as a Variant of Uncertain Significance. Algorithms developed to predict the effect of missense changes on protein structure and function are either unavailable or do not agree on the potential impact of this missense change (SIFT: "Deleterious"; PolyPhen-2: "Probably Damaging"; Align-GVGD: "Class C0"). This variant has not been reported in the literature in individuals with EGFR-related conditions. This variant is not present in population databases (ExAC no frequency). This sequence change replaces aspartic acid with histidine at codon 303 of the EGFR protein (p.Asp303His). The aspartic acid residue is highly conserved and there is a moderate physicochemical difference between aspartic acid and histidine.